The following is an entry in ClinVar:

ClinVar aggregate classification (germline): Benign. Review status: reviewed by expert panel (3 of 4 stars). 20 submissions from 20 submitters: Benign (1). 19 of the submissions do not count toward it. Last evaluated 2015-01-12.
ClinVar aggregate classification (somatic clinical impact): Tier IV - Benign/Likely benign (0 of 4 stars; one submission).

Conditions:
Hereditary cancer-predisposing syndrome. Also called: Hereditary Cancer Syndrome; Hereditary neoplastic syndrome; Neoplastic Syndromes, Hereditary; Tumor predisposition. Identifiers: Orphanet 140162, MedGen C0027672, MeSH D009386, MONDO:0015356.
Familial cancer of breast. Also called: hereditary breast carcinoma; BREAST CANCER, FAMILIAL; Hereditary breast cancer. Identifiers: Orphanet 227535, MedGen C0346153, MONDO:0016419, OMIM 114480. Disease mechanism: loss of function.
Hereditary breast ovarian cancer syndrome. Also called: BRCA1- and BRCA2-Associated Hereditary Breast and Ovarian Cancer; Hereditary breast and ovarian cancer syndrome; Hereditary breast and ovarian cancer syndrome (HBOC); Breast and ovarian cancer; Hereditary breast and/or ovarian cancer syndrome; Hereditary breast and ovarian cancer. Identifiers: Orphanet 145, MedGen C0677776, MeSH D061325, MONDO:0003582. Disease mechanism: loss of function.
Breast-ovarian cancer, familial, susceptibility to, 1 (BROVCA1). Also called: BRCA1 Hereditary Breast and Ovarian Cancer; OVARIAN CANCER, SUSCEPTIBILITY TO. Identifiers: Orphanet 145, MedGen C2676676, MONDO:0011450, OMIM 604370. Disease mechanism: loss of function.

Allele frequency attached by ClinVar (database versions not stated): TOPMed 0.29158; gnomAD 0.30314 and 0.31037; 1000 Genomes Project 0.34245; 1000 Genomes Project 30x 0.33479; gnomAD exomes 0.33579.
gnomAD v4.1: 441,627 of 1,326,596 alleles (33%); highest among the groups gnomAD compares: South Asian, 50%; 76,364 homozygotes.

Submissions (21):

Evidence-based Network for the Interpretation of Germline Mutant Alleles (ENIGMA)
Classification: Benign for Breast-ovarian cancer, familial 1. Last evaluated: 2015-01-12. Review status: reviewed by expert panel. Criteria: ENIGMA BRCA1/2 Classification Criteria (2015). Collection method: curation. Allele origin: germline.
Comment: Class 1 not pathogenic based on frequency >1% in an outbred sampleset. Frequency 0.3304 (Asian), 0.2154 (African), 0.3615 (European), derived from 1000 genomes (2012-04-30).

Labcorp Genetics (formerly Invitae), Labcorp
Classification: Benign for Hereditary breast ovarian cancer syndrome. Last evaluated: 2026-02-02. Review status: criteria provided, single submitter. Criteria: Invitae Variant Classification Sherloc (09022015). Collection method: clinical testing. Allele origin: germline. Not counted in ClinVar's aggregate classification.

KCCC/NGS Laboratory, Kuwait Cancer Control Center
Classification: Benign for Breast-ovarian cancer, familial, susceptibility to, 1. Last evaluated: 2023-07-07. Review status: criteria provided, single submitter. Criteria: ACMG Guidelines, 2015. Collection method: clinical testing. Allele origin: germline. Affected: yes. Not counted in ClinVar's aggregate classification.

ARUP Laboratories, Molecular Genetics and Genomics, ARUP Laboratories
Classification: Benign. Last evaluated: 2022-08-16. Review status: criteria provided, single submitter. Criteria: ARUP Molecular Germline Variant Investigation Process 2021. Collection method: clinical testing. Allele origin: germline. Not counted in ClinVar's aggregate classification.

National Health Laboratory Service, Universitas Academic Hospital and University of the Free State
Classification: Benign for Hereditary breast ovarian cancer syndrome. Last evaluated: 2022-04-19. Review status: criteria provided, single submitter. Criteria: ACMG Guidelines, 2015. Collection method: clinical testing. Allele origin: germline. Affected: yes. Observed: 629 variant alleles. Not counted in ClinVar's aggregate classification.

Sema4
Classification: Benign for Hereditary cancer-predisposing syndrome. Last evaluated: 2019-12-11. Review status: criteria provided, single submitter. Criteria: Sema4 Curation Guidelines. Collection method: curation. Allele origin: germline. Not counted in ClinVar's aggregate classification.

Eurofins Ntd Llc (ga)
Classification: Benign. Last evaluated: 2016-11-09. Review status: criteria provided, single submitter. Criteria: EGL Classification Definitions 2015. Collection method: clinical testing. Allele origin: germline. Observed: 4 variant alleles, 3 heterozygotes, 1 homozygote. Not counted in ClinVar's aggregate classification.

Clinical Genetics DNA and cytogenetics Diagnostics Lab, Erasmus MC, Erasmus Medical Center
Classification: Benign for Breast-ovarian cancer, familial, susceptibility to, 1. Last evaluated: 2015-09-21. Review status: criteria provided, single submitter. Criteria: ACGS Guidelines, 2013. Collection method: clinical testing. Allele origin: germline. Affected: yes. Study: VKGL Data-share Consensus. Not counted in ClinVar's aggregate classification.

GeneDx
Classification: Benign. Last evaluated: 2015-03-03. Review status: criteria provided, single submitter. Criteria: GeneDx Variant Classification Process June 2021. Collection method: clinical testing. Allele origin: germline. Affected: yes. Not counted in ClinVar's aggregate classification.
Comment: This variant is associated with the following publications: (PMID: 32846166, 30713775, 26092435, 27884173, 15564800)

Color Diagnostics, LLC DBA Color Health
Classification: Benign for Hereditary cancer-predisposing syndrome. Last evaluated: 2014-12-10. Review status: criteria provided, single submitter. Criteria: ACMG Guidelines, 2015. Collection method: clinical testing. Allele origin: germline. Not counted in ClinVar's aggregate classification.

Ambry Genetics
Classification: Benign for Hereditary cancer-predisposing syndrome. Last evaluated: 2014-11-18. Review status: criteria provided, single submitter. Criteria: Ambry Variant Classification Scheme 2023. Collection method: clinical testing. Allele origin: germline. Not counted in ClinVar's aggregate classification.

Genome Diagnostics Laboratory, University Medical Center Utrecht
Classification: Benign for Breast-ovarian cancer, familial, susceptibility to, 1. Last evaluated: 2014-10-09. Review status: criteria provided, single submitter. Criteria: ACGS Guidelines, 2013. Collection method: clinical testing. Allele origin: germline. Affected: yes. Study: VKGL Data-share Consensus. Not counted in ClinVar's aggregate classification.

Breakthrough Genomics
Classification: Benign. Review status: criteria provided, single submitter. Criteria: ACMG Guidelines, 2015. Collection method: not provided. Allele origin: germline. Inheritance: Autosomal recessive inheritance. Affected: yes. Not counted in ClinVar's aggregate classification.

GreenArray Genomic Research & Solutions of Accurate Diagnostic Private Limited
Classification: Benign for Breast-ovarian cancer, familial, susceptibility to, 1. Review status: criteria provided, single submitter. Criteria: ACMG Guidelines, 2015. Collection method: clinical testing. Allele origin: germline. Affected: no. Not counted in ClinVar's aggregate classification.

PreventionGenetics, part of Exact Sciences
Classification: Benign. Review status: criteria provided, single submitter. Criteria: ACMG Guidelines, 2015. Collection method: clinical testing. Allele origin: germline. Not counted in ClinVar's aggregate classification.

Counsyl
Classification: Benign for Breast-ovarian cancer, familial, susceptibility to, 1. Last evaluated: 2017-09-06. Review status: no assertion criteria provided. Collection method: clinical testing. Allele origin: unknown. Not counted in ClinVar's aggregate classification.

Breast Cancer Information Core (BIC) (BRCA1)
No classification provided. Condition: Breast-ovarian cancer, familial 1. Review status: no classification provided. Collection method: clinical testing. Allele origin: germline. Affected: yes. Observed: 641 variant alleles. Not counted in ClinVar's aggregate classification.

Clinical Genetics Laboratory, Department of Pathology, Netherlands Cancer Institute
Classification: Benign. Review status: no assertion criteria provided. Collection method: clinical testing. Allele origin: germline. Affected: yes. Study: VKGL Data-share Consensus. Not counted in ClinVar's aggregate classification.

Department of Pathology and Laboratory Medicine, Sinai Health System
Classification: Benign. Review status: no assertion criteria provided. Collection method: clinical testing. Allele origin: unknown. Affected: yes. Observed: 238 variant alleles. Study: The Canadian Open Genetics Repository (COGR). Not counted in ClinVar's aggregate classification.

Faculté Pluridciplinaire Nador, Université Mohamed Premier
Classification: Tier IV - Benign/Likely benign for Familial cancer of breast. Review status: no assertion criteria provided. Collection method: research. Allele origin: somatic. Affected: yes.
Comment: The following databases and algorithms are used to annotate and evaluate the impact of the variant in the context of human disease: 1000 genomes, gnomAD, ClinVar, OMIM, dbSNP, NCIB RefSeq Genes, ExAC Gene Constraints, VS-SIFT, VS-PolyPhen2, PhyloP, GERP++, GeneSplicer, MaxEntScan, NNSplice, PWM Splice Predictor.

Genomic Research Center, Shahid Beheshti University of Medical Sciences
No classification provided. Condition: Familial cancer of breast. Review status: no classification provided. Collection method: not provided. Allele origin: somatic. Not counted in ClinVar's aggregate classification.
ClinVar note: Converted during submission from untested to not provided.

Literature cited by the submitters: DOI 10.3389/fgene.2022.834265 (cited by National Health Laboratory Service, Universitas Academic Hospital and University of the Free State).

NM_007294.4(BRCA1):c.5152+66G>A

Gene: BRCA1 (BRCA1 DNA repair associated; minus strand). Cytogenetic location: 17q21.31.
Variant type: single nucleotide variant.
Coding change: c.5152+66G>A on transcript NM_007294.4 (MANE Select); 66 bases into the intron after coding-DNA position 5152, G replaced by A.
Molecular consequence: intron variant.
Genome position (GRCh38, 1-based): chr17:43,063,808, C>T on the plus strand (G>A on the coding strand, the complement: BRCA1 is on the minus strand). VCF-style: chr17-43063808-C-T. GRCh37 (hg19) VCF-style: chr17-41215825-C-T.
Other names: IVS18+66G>A; IVS18+66G/A; IVS 18+66G>C; c.1699+66G>A (NM_001408458.1, NM_001408461.1, NM_001408464.1 and 7 more transcripts); c.4261+66G>A (NM_001407967.1); c.4771+66G>A (NM_001407959.1); c.4885+66G>A (NM_001407931.1, NM_001407932.1, NM_001407928.1 and 4 more transcripts); c.5008+66G>A (NM_001407747.1, NM_001407745.1, NM_001407737.1 and 21 more transcripts); and 76 more.
Identifiers: ClinVar variation 55428 (VCV000055428.58), dbSNP rs3092994, ClinGen allele CA003289.